The following is an entry in ClinVar:

NM_000621.4(HTR2A):c.-998G>A

Gene: HTR2A (5-hydroxytryptamine receptor 2A; minus strand). Cytogenetic location: 13q14.2.
Variant type: single nucleotide variant.
Coding change: c.-998G>A on transcript NM_000621.4; 998 bases upstream of the start codon, G replaced by A.
Molecular consequence: intron variant (on NM_001378924.1).
Genome position (GRCh38, 1-based): chr13:46,897,343, C>T on the plus strand (G>A on the coding strand, the complement: HTR2A is on the minus strand). VCF-style: chr13-46897343-C-T. GRCh37 (hg19) VCF-style: chr13-47471478-C-T.
Other names: LRG_1008t1:c.-998G>A; NC_000013.11:g.46897343C>T; LRG_1008:g.4692G>A; NG_013011.1:g.4692G>A; NC_000013.10:g.47471478C>T; -1438G-A; c.-329+609G>A (NM_001378924.1).
Identifiers: ClinVar variation 511090 (VCV000511090.7), dbSNP rs6311, ClinGen allele CA13844405.

ClinVar aggregate classification (germline): Likely benign. Review status: criteria provided, single submitter (1 of 4 stars). 3 submissions from 3 submitters: Likely benign (1). 2 of the submissions do not count toward it. Last evaluated 2018-03-09.

Conditions:
Cocaine-Related Disorders. Identifiers: MedGen C0236736.
Obsessive-compulsive disorder, susceptibility to.

Allele frequency attached by ClinVar (database versions not stated): gnomAD 0.40253 and 0.40595; TOPMed 0.40792; 1000 Genomes Project 30x 0.44113; 1000 Genomes Project 0.44349.
gnomAD v4.1: 61,590 of 151,924 alleles (41%); highest among the groups gnomAD compares: East Asian, 59%; 12,715 homozygotes.

Submissions (3):

GeneDx
Classification: Likely benign. Last evaluated: 2018-03-09. Review status: criteria provided, single submitter. Criteria: GeneDx Variant Classification (06012015). Collection method: clinical testing. Allele origin: germline. Affected: yes.
Comment: This variant is considered likely benign or benign based on one or more of the following criteria: it is a conservative change, it occurs at a poorly conserved position in the protein, it is predicted to be benign by multiple in silico algorithms, and/or has population frequency not consistent with disease.

Noelle C. Anastasio Laboratory, University of Texas Medical Branch
Classification: Likely benign for Cocaine-Related Disorders. Last evaluated: 2019-10-01. Review status: no assertion criteria provided. Collection method: research. Allele origin: inherited. Affected: yes and no. Observed: 62 variant alleles, 49 heterozygotes, 13 homozygotes. Not counted in ClinVar's aggregate classification.
Comment: Using a Chi-squared analysis with Fisher's exact test, the allelic frequency of the rs6311 SNP (A-1438G) was not significantly different between cocaine-dependent participants versus healthy controls.

OMIM
Classification: risk factor for OBSESSIVE-COMPULSIVE DISORDER, SUSCEPTIBILITY TO. Last evaluated: 2004-09-15. Review status: no assertion criteria provided. Collection method: literature only. Allele origin: germline. Not counted in ClinVar's aggregate classification.

Literature cited by the submitters: PubMed 9635956 (cited by OMIM); PubMed 12476319 (cited by OMIM); PubMed 15364038 (cited by OMIM).